The following is an entry in ClinVar:

NM_001005242.3(PKP2):c.1321C>T (p.Arg441Trp)

Gene: PKP2 (plakophilin 2; minus strand). Cytogenetic location: 12p11.21.
Variant type: single nucleotide variant.
Coding change: c.1321C>T on transcript NM_001005242.3 (MANE Select); coding-DNA position 1321, C replaced by T.
Protein change: p.Arg441Trp; replaces arginine 441 with tryptophan.
Molecular consequence: missense variant.
Genome position (GRCh38, 1-based): chr12:32,850,823, G>A on the plus strand (C>T on the coding strand, the complement: PKP2 is on the minus strand). VCF-style: chr12-32850823-G-A. GRCh37 (hg19) VCF-style: chr12-33003757-G-A.
Other names: c.1321C>T, p.Arg441Trp (NM_004572.4); short protein forms R441W.
Identifiers: ClinVar variation 939516 (VCV000939516.11), dbSNP rs755233999, ClinGen allele CA027637.

ClinVar aggregate classification (germline): Uncertain significance. Review status: criteria provided, multiple submitters, no conflicts (2 of 4 stars). 4 submissions from 4 submitters: Uncertain significance (4). Last evaluated 2025-07-01.

Conditions:
Cardiomyopathy (CMYO). Also called: Cardiomyopathies. Identifiers: Orphanet 167848, MedGen C0878544, MONDO:0004994, HP:0001638. Inheritance: Various modes of inheritance.
Arrhythmogenic right ventricular dysplasia 9 (ARVD9). Also called: Arrhythmogenic Right Ventricular Dysplasia/Cardiomyopathy 9; ARRHYTHMOGENIC RIGHT VENTRICULAR DYSPLASIA, FAMILIAL, 9. Identifiers: MedGen C1836906, MONDO:0012180, OMIM 609040.
Cardiovascular phenotype. Identifiers: MedGen CN230736.

Allele frequency attached by ClinVar (database versions not stated): gnomAD exomes 0.00001; TOPMed below 0.00001; ExAC 0.00001.
gnomAD v4.1: 12 of 1,613,640 alleles (0.00074%); highest among the groups gnomAD compares: South Asian, 0.0011%; no homozygotes.

Submissions (4):

Color Diagnostics, LLC DBA Color Health
Classification: Uncertain significance for Cardiomyopathy. Last evaluated: 2025-07-01. Review status: criteria provided, single submitter. Criteria: ACMG Guidelines, 2015. Collection method: clinical testing. Allele origin: germline.
Comment: This missense variant replaces arginine with tryptophan at codon 441 of the PKP2 protein. Computational prediction suggests that this variant may not impact protein structure and function. To our knowledge, functional studies have not been reported for this variant. This variant has been reported in an individual suspected to be affected with cardiomyopathy or arrhythmia (PMID: 35947370). This variant has been identified in 2/251162 chromosomes in the general population by the Genome Aggregation Database (gnomAD). The available evidence is insufficient to determine the role of this variant in disease conclusively. Therefore, this variant is classified as a Variant of Uncertain Significance.

Ambry Genetics
Classification: Uncertain significance for Cardiovascular phenotype. Last evaluated: 2023-12-29. Review status: criteria provided, single submitter. Criteria: Ambry Variant Classification Scheme 2023. Collection method: clinical testing. Allele origin: germline.
Comment: The p.R441W variant (also known as c.1321C>T), located in coding exon 5 of the PKP2 gene, results from a C to T substitution at nucleotide position 1321. The arginine at codon 441 is replaced by tryptophan, an amino acid with dissimilar properties. This amino acid position is not well conserved in available vertebrate species. In addition, this alteration is predicted to be tolerated by in silico analysis. Since supporting evidence is limited at this time, the clinical significance of this alteration remains unclear.

Labcorp Genetics (formerly Invitae), Labcorp
Classification: Uncertain significance for Arrhythmogenic right ventricular dysplasia 9. Last evaluated: 2023-05-11. Review status: criteria provided, single submitter. Criteria: Invitae Variant Classification Sherloc (09022015). Collection method: clinical testing. Allele origin: germline.
Comment: An algorithm developed to predict the effect of missense changes on protein structure and function (PolyPhen-2) suggests that this variant is likely to be disruptive. ClinVar contains an entry for this variant (Variation ID: 939516). This variant has not been reported in the literature in individuals affected with PKP2-related conditions. This variant is present in population databases (rs755233999, gnomAD 0.002%). This sequence change replaces arginine, which is basic and polar, with tryptophan, which is neutral and slightly polar, at codon 441 of the PKP2 protein (p.Arg441Trp). In summary, the available evidence is currently insufficient to determine the role of this variant in disease. Therefore, it has been classified as a Variant of Uncertain Significance.

Clinical Genomics Laboratory, Stanford Medicine
Classification: Uncertain significance for Arrhythmogenic right ventricular dysplasia 9. Last evaluated: 2022-07-14. Review status: criteria provided, single submitter. Criteria: ACMG Guidelines, 2015. Collection method: clinical testing. Allele origin: germline. Observed: 1 variant allele, 1 heterozygote.
Comment: The p.Arg441Trp variant in the PKP2 gene has not been previously reported in association with disease. This variant has been identified in 2/113446 European (non-Finnish) chromosomes by the Genome Aggregation Database This variant is present in ClinVar (Variation ID: 939516). Computational tools predict that this variant is deleterious; however, the accuracy of in silico algorithms is limited. These data were assessed using the ACMG/AMP variant interpretation guidelines. In summary, the significance of the p.Arg441Trp variant is uncertain. Additional information is needed to resolve the significance of this variant. [ACMG evidence codes used: PM2; PP3

Literature cited by the submitters: PubMed 35947370 (cited by Color Diagnostics, LLC DBA Color Health).